The following is an entry in ClinVar:

NM_001849.4(COL6A2):c.266A>G (p.Gln89Arg)

Gene: COL6A2 (collagen type VI alpha 2 chain; plus strand). Cytogenetic location: 21q22.3.
Variant type: single nucleotide variant.
Coding change: c.266A>G on transcript NM_001849.4 (MANE Select); coding-DNA position 266, A replaced by G.
Protein change: p.Gln89Arg; replaces glutamine 89 with arginine.
Molecular consequence: missense variant.
Genome position (GRCh38, 1-based): chr21:46,112,129, A>G. VCF-style: chr21-46112129-A-G. GRCh37 (hg19) VCF-style: chr21-47532043-A-G.
Other names: c.266A>G, p.Gln89Arg (NM_058174.3, NM_058175.3); short protein forms Q89R.
Identifiers: ClinVar variation 843170 (VCV000843170.11), dbSNP rs770956606, ClinGen allele CA10071248.

ClinVar aggregate classification (germline): Uncertain significance. Review status: criteria provided, multiple submitters, no conflicts (2 of 4 stars). 2 submissions from 2 submitters: Uncertain significance (2). Last evaluated 2026-09-02.

Conditions:
Inborn genetic diseases. Identifiers: MedGen C0950123, MeSH D030342.
Bethlem myopathy 1A. Also called: Bethlem myopathy 1; MYOPATHY, BENIGN CONGENITAL, WITH CONTRACTURES; Bethlem Muscular Dystrophy. Identifiers: Orphanet 610, MedGen CN029274, MONDO:0024530, OMIM 158810.

Allele frequency attached by ClinVar (database versions not stated): gnomAD exomes below 0.00001; ExAC 0.00001.
gnomAD v4.1: 1 of 1,613,178 alleles (0.000062%); highest among the groups gnomAD compares: Admixed American, 0.0017%; no homozygotes.

Submissions (2):

Ambry Genetics
Classification: Uncertain significance for Inborn genetic diseases. Last evaluated: 2026-09-02. Review status: criteria provided, single submitter. Criteria: Ambry Variant Classification Scheme 2023. Collection method: clinical testing. Allele origin: germline.

Labcorp Genetics (formerly Invitae), Labcorp
Classification: Uncertain significance for Bethlem myopathy 1A. Last evaluated: 2024-02-23. Review status: criteria provided, single submitter. Criteria: Invitae Variant Classification Sherloc (09022015). Collection method: clinical testing. Allele origin: germline.
Comment: This sequence change replaces glutamine, which is neutral and polar, with arginine, which is basic and polar, at codon 89 of the COL6A2 protein (p.Gln89Arg). This variant is present in population databases (rs770956606, gnomAD 0.003%). This variant has not been reported in the literature in individuals affected with COL6A2-related conditions. ClinVar contains an entry for this variant (Variation ID: 843170). Advanced modeling of protein sequence and biophysical properties (such as structural, functional, and spatial information, amino acid conservation, physicochemical variation, residue mobility, and thermodynamic stability) performed at Invitae indicates that this missense variant is not expected to disrupt COL6A2 protein function with a negative predictive value of 80%. In summary, the available evidence is currently insufficient to determine the role of this variant in disease. Therefore, it has been classified as a Variant of Uncertain Significance.